The following is an entry in ClinVar:

ClinVar aggregate classification (germline): Uncertain significance. Review status: criteria provided, multiple submitters, no conflicts (2 of 4 stars). 3 submissions from 3 submitters: Uncertain significance (3). Last evaluated 2024-03-04.

Conditions:
Muscular dystrophy-dystroglycanopathy (congenital with brain and eye anomalies), type a, 8 (MDDGA8). Also called: WALKER-WARBURG SYNDROME OR MUSCLE-EYE-BRAIN DISEASE, GTDC2-RELATED. Identifiers: Orphanet 899, MedGen C3553813, MONDO:0013904, OMIM 614830.

Allele frequency attached by ClinVar (database versions not stated): ExAC 0.00001; gnomAD 0.00001; gnomAD exomes 0.00001 and 0.00002; TOPMed 0.00002.

Submissions (3):

Blueprint Genetics
Classification: Uncertain significance. Last evaluated: 2024-03-04. Review status: criteria provided, single submitter. Criteria: ACMG Guidelines, 2015. Collection method: clinical testing. Allele origin: germline.

CeGaT Center for Human Genetics Tuebingen
Classification: Uncertain significance. Last evaluated: 2022-12-01. Review status: criteria provided, single submitter. Criteria: CeGaT Center For Human Genetics Tuebingen Variant Classification Criteria Version 2. Collection method: clinical testing. Allele origin: germline. Affected: yes. Observed: 1 variant allele.
Comment: POMGNT2: PM2

Labcorp Genetics (formerly Invitae), Labcorp
Classification: Uncertain significance for Muscular dystrophy-dystroglycanopathy (congenital with brain and eye anomalies), type a, 8. Last evaluated: 2022-07-25. Review status: criteria provided, single submitter. Criteria: Invitae Variant Classification Sherloc (09022015). Collection method: clinical testing. Allele origin: germline.
Comment: This sequence change replaces arginine, which is basic and polar, with cysteine, which is neutral and slightly polar, at codon 424 of the POMGNT2 protein (p.Arg424Cys). This variant is present in population databases (rs761086834, gnomAD 0.004%). This variant has not been reported in the literature in individuals affected with POMGNT2-related conditions. ClinVar contains an entry for this variant (Variation ID: 1047478). Algorithms developed to predict the effect of missense changes on protein structure and function are either unavailable or do not agree on the potential impact of this missense change (SIFT: "Deleterious"; PolyPhen-2: "Probably Damaging"; Align-GVGD: "Class C0"). In summary, the available evidence is currently insufficient to determine the role of this variant in disease. Therefore, it has been classified as a Variant of Uncertain Significance.

NM_032806.6(POMGNT2):c.1270C>T (p.Arg424Cys)

Gene: POMGNT2 (protein O-linked mannose N-acetylglucosaminyltransferase 2 (beta 1,4-); minus strand). Cytogenetic location: 3p22.1.
Variant type: single nucleotide variant.
Coding change: c.1270C>T on transcript NM_032806.6 (MANE Select); coding-DNA position 1270, C replaced by T.
Protein change: p.Arg424Cys; replaces arginine 424 with cysteine.
Molecular consequence: missense variant.
Genome position (GRCh38, 1-based): chr3:43,080,162, G>A on the plus strand (C>T on the coding strand, the complement: POMGNT2 is on the minus strand). VCF-style: chr3-43080162-G-A. GRCh37 (hg19) VCF-style: chr3-43121654-G-A.
Other names: short protein forms R424C.
Identifiers: ClinVar variation 1047478 (VCV001047478.27), dbSNP rs761086834, ClinGen allele CA2339889.
Genomic context (GRCh38, chr3:43,080,162, plus strand): 5'-AGAGCCACTCGGGGTTCCGGCAACAGAGATGCCGTGGGACCTCACGGCTTTGCAGGATAC[G>A]GGCTTGCTCAGCCCGGTCCAGATGGGTGATGCCCCCCTGATCCCAGGGCCGCTCAGGGTG-3'
Protein context (NP_116195.2, residues 414-434): ITHLDRAEQA[Arg424Cys]ILQSREVPRH